The following is an entry in ClinVar:

NM_000089.4(COL1A2):c.487-4_501del

Gene: COL1A2 (collagen type I alpha 2 chain; plus strand). Cytogenetic location: 7q21.3.
Variant type: Deletion.
Coding change: c.487-4_501del on transcript NM_000089.4 (MANE Select); 4 bases into the intron before coding-DNA position 487 through coding-DNA position 501, 19 bases deleted (TAAGGGTGCTCGTGGTTTC).
Molecular consequence: splice acceptor variant.
Genome position (GRCh38, 1-based): chr7:94,405,669-94,405,687, TAAGGGTGCTCGTGGTTTC deleted; deleting any 19 consecutive bases within chr7:94,405,665-94,405,687 gives the same sequence; the c. name uses the placement nearest the transcript's 3' end. VCF-style (leftmost placement, unchanged base first): chr7-94405664-CTTTCTAAGGGTGCTCGTGG-C. GRCh37 (hg19) VCF-style: chr7-94034976-CTTTCTAAGGGTGCTCGTGG-C.
Other names: EX11DEL.
Identifiers: ClinVar variation 17237 (VCV000017237.6), dbSNP rs74315146, ClinGen allele CA162915410.

ClinVar aggregate classification (germline): Pathogenic. Review status: criteria provided, multiple submitters, no conflicts (2 of 4 stars). 3 submissions from 3 submitters: Pathogenic (2). 1 of the submissions does not count toward it. Last evaluated 2024-08-20.

Conditions:
Osteogenesis imperfecta type I (OI1). Also called: Classic Non-deforming Osteogenesis Imperfecta with Blue Sclerae; Osteogenesis imperfecta type 1; Lobstein's Disease; OI, TYPE I; Lobstein disease; OSTEOGENESIS IMPERFECTA TARDA. Identifiers: Orphanet 216796, Orphanet 666, MedGen C0023931, MONDO:0008146, OMIM 166200. Disease mechanism: loss of function.
Ehlers-Danlos syndrome, classic type, 1 (EDSCL1). Also called: Ehlers-Danlos Syndrome, Classic Type, COL5A1-Related; Ehlers-Danlos syndrome, type 1; EHLERS-DANLOS SYNDROME, GRAVIS TYPE; EHLERS-DANLOS SYNDROME, SEVERE CLASSIC TYPE; EDS I. Identifiers: MedGen C0268335, MONDO:0019567, OMIM 130000.
Osteogenesis imperfecta, mild. Identifiers: MedGen C4015953.

Submissions (3):

GeneDx
Classification: Pathogenic. Last evaluated: 2024-08-20. Review status: criteria provided, single submitter. Criteria: GeneDx Variant Classification Process June 2021. Collection method: clinical testing. Allele origin: germline.
Comment: Damages or destroys the splice acceptor site in intron 10, and is expected to cause abnormal gene splicing; if the splice outcome is exon skipping, the loss of the encoded residues in the triple helical region is expected to disrupt normal protein folding and function, and this is an established mechanism of disease (HGMD); Not observed at significant frequency in large population cohorts (gnomAD); This variant is associated with the following publications: (PMID: 3403536)

Labcorp Genetics (formerly Invitae), Labcorp
Classification: Pathogenic for Osteogenesis imperfecta type I; Ehlers-Danlos syndrome, classic type, 1. Last evaluated: 2024-01-16. Review status: criteria provided, single submitter. Criteria: Invitae Variant Classification Sherloc (09022015). Collection method: clinical testing. Allele origin: germline.
Comment: This variant results in the deletion of part of exon 11 (c.487-4_501del) of the COL1A2 gene. RNA analysis indicates that this variant induces altered splicing and likely results in a shortened protein product. This variant is not present in population databases (gnomAD no frequency). This variant has been observed in individuals with autosomal dominant osteogenesis imperfecta (PMID: 3403536; Invitae). This variant is also known as a 19-bp deletion that causes in-frame RNA splicing from the last codon of exon 10 to the first codon of exon 12 of the pro-d(I) gene. ClinVar contains an entry for this variant (Variation ID: 17237). Studies have shown that this variant results in skipping of exon 11, but is expected to preserve the integrity of the reading-frame (PMID: 3403536). This variant disrupts the triple helix domain of COL1A2. Glycine residues within the Gly-Xaa-Yaa repeats of the triple helix domain are required for the structure and stability of fibrillar collagens (PMID: 7695699, 8218237, 19344236). In COL1A2, variants affecting these glycine residues are significantly enriched in individuals with disease (PMID: 9016532, 17078022) compared to the general population (ExAC). For these reasons, this variant has been classified as Pathogenic.

OMIM
Classification: Pathogenic for OSTEOGENESIS IMPERFECTA, MILD. Last evaluated: 1988-08-15. Review status: no assertion criteria provided. Collection method: literature only. Allele origin: germline. Not counted in ClinVar's aggregate classification.

Literature cited by the submitters: PubMed 3403536 (cited by Labcorp Genetics (formerly Invitae), Labcorp and OMIM); PubMed 7695699 (cited by Labcorp Genetics (formerly Invitae), Labcorp); PubMed 8218237 (cited by Labcorp Genetics (formerly Invitae), Labcorp); PubMed 19344236 (cited by Labcorp Genetics (formerly Invitae), Labcorp); PubMed 9016532 (cited by Labcorp Genetics (formerly Invitae), Labcorp); PubMed 17078022 (cited by Labcorp Genetics (formerly Invitae), Labcorp).